The following is an entry in ClinVar:

ClinVar aggregate classification (germline): Pathogenic (1 of 4 stars; one submission).

Conditions:
EGFR-related lung cancer (EGFR). Identifiers: MedGen CN130014.

Submission:

Labcorp Genetics (formerly Invitae), Labcorp
Classification: Pathogenic for EGFR-related lung cancer. Last evaluated: 2025-01-27. Review status: criteria provided, single submitter. Criteria: Invitae Variant Classification Sherloc (09022015). Collection method: clinical testing. Allele origin: germline.
Comment: This sequence change creates a premature translational stop signal (p.Thr384Glyfs*25) in the EGFR gene. It is expected to result in an absent or disrupted protein product. Loss-of-function variants in EGFR are known to be pathogenic (PMID: 7630400, 28726809, 29899996). This variant is not present in population databases (gnomAD no frequency). This variant has not been reported in the literature in individuals affected with EGFR-related conditions. For these reasons, this variant has been classified as Pathogenic.

Literature cited by the submitters: PubMed 7630400; PubMed 28726809; PubMed 29899996.

NM_005228.5(EGFR):c.1150_1160del (p.Thr384fs)

Genes: EGFR (epidermal growth factor receptor; plus strand), LOC126860048 (P300/CBP strongly-dependent group 1 enhancer GRCh37_chr7:55223847-55225046; plus strand). Cytogenetic location: 7p11.2.
Variant type: Deletion.
Coding change: c.1150_1160del on transcript NM_005228.5 (MANE Select); coding-DNA positions 1150 to 1160, 11 bases deleted (ACTCCTCCTCT).
Protein change: p.Thr384fs; shifts the reading frame from threonine 384.
Molecular consequence: frameshift variant.
Genome position (GRCh38, 1-based): chr7:55,156,775-55,156,785, ACTCCTCCTCT deleted; deleting any 11 consecutive bases within chr7:55,156,774-55,156,785 gives the same sequence; the c. name uses the placement nearest the transcript's 3' end. VCF-style (leftmost placement, unchanged base first): chr7-55156773-ATACTCCTCCTC-A. GRCh37 (hg19) VCF-style: chr7-55224466-ATACTCCTCCTC-A.
Other names: c.1015_1025del, p.Thr339fs (NM_001346897.2, NM_001346899.2); c.1150_1160del, p.Thr384fs (NM_001346898.2, NM_201282.2, NM_201283.2 and 1 more transcripts); c.991_1001del, p.Thr331fs (NM_001346900.2); c.349_359del, p.Thr117fs (NM_001346941.2); short protein forms T331fs, T384fs, T117fs, T339fs.
Identifiers: ClinVar variation 3729655 (VCV003729655.2).